The following is an entry in ClinVar:

ClinVar aggregate classification (germline): Likely benign. Review status: criteria provided, multiple submitters, no conflicts (2 of 4 stars). 3 submissions from 3 submitters: Likely benign (2). 1 of the submissions does not count toward it. Last evaluated 2026-09-01.

Conditions:
CAPN15-related disorder. Also called: CAPN15-related condition.

Allele frequency attached by ClinVar (database versions not stated): ESP Exome Variant Server 0.00097; 1000 Genomes Project 30x 0.00125; 1000 Genomes Project 0.00140; ExAC 0.00880.
gnomAD v4.1: 3,918 of 1,510,208 alleles (0.26%); highest among the groups gnomAD compares: South Asian, 0.98%; 11 homozygotes.

Submissions (3):

CeGaT Center for Human Genetics Tuebingen
Classification: Likely benign. Last evaluated: 2026-09-01. Review status: criteria provided, single submitter. Criteria: CeGaT Center For Human Genetics Tuebingen Variant Classification Criteria Version 2. Collection method: clinical testing. Allele origin: germline. Affected: yes. Observed: 14 variant alleles.
Comment: CAPN15: BP4, BP7

Blueprint Genetics
Classification: Likely benign. Last evaluated: 2024-11-21. Review status: criteria provided, single submitter. Criteria: ACMG Guidelines, 2015. Collection method: clinical testing. Allele origin: germline.

PreventionGenetics, part of Exact Sciences
Classification: Benign for CAPN15-related condition. Last evaluated: 2019-07-02. Review status: no assertion criteria provided. Collection method: clinical testing. Allele origin: germline. Not counted in ClinVar's aggregate classification.
Comment: This variant is classified as benign based on ACMG/AMP sequence variant interpretation guidelines (Richards et al. 2015 PMID: 25741868, with internal and published modifications).

NM_005632.3(CAPN15):c.420G>A (p.Ala140=)

Gene: CAPN15 (calpain 15; plus strand). Cytogenetic location: 16p13.3.
Variant type: single nucleotide variant.
Coding change: c.420G>A on transcript NM_005632.3 (MANE Select); coding-DNA position 420, G replaced by A.
Protein change: p.Ala140=; no amino-acid change (alanine 140 retained).
Molecular consequence: synonymous variant.
Genome position (GRCh38, 1-based): chr16:547,258, G>A. VCF-style: chr16-547258-G-A. GRCh37 (hg19) VCF-style: chr16-597258-G-A.
Other names: c.420G>A (NM_005632.2).
Identifiers: ClinVar variation 2498633 (VCV002498633.30), dbSNP rs145595428, ClinGen allele CA7778073.